The following is an entry in ClinVar:

NM_002454.3(MTRR):c.1067_1070inv (p.Leu356_Pro357delinsTrpTyr)

Gene: MTRR (5-methyltetrahydrofolate-homocysteine methyltransferase reductase; plus strand). Cytogenetic location: 5p15.31.
Variant type: Inversion.
Coding change: c.1067_1070inv on transcript NM_002454.3 (MANE Select).
Protein change: p.Leu356_Pro357delinsTrpTyr.
Molecular consequence: missense variant. On other transcripts: non-coding transcript variant (12).
Genome position: GRCh38 VCF-style: chr5-7886624-TACC-GGTA. GRCh37 (hg19) VCF-style: chr5-7886737-TACC-GGTA.
Other names: c.1067_1070inv, p.Leu356_Pro357delinsTrpTyr (NM_001364440.2, NM_001364441.2, NM_001364442.2 and 1 more transcripts).
Identifiers: ClinVar variation 3708419 (VCV003708419.2).

ClinVar aggregate classification (germline): Uncertain significance (1 of 4 stars; one submission).

Conditions:
Methylcobalamin deficiency type cblE (HMAE). Also called: HOMOCYSTINURIA-MEGALOBLASTIC ANEMIA, cblE TYPE; VITAMIN B12-RESPONSIVE HOMOCYSTINURIA, cblE TYPE; HOMOCYSTINURIA-MEGALOBLASTIC ANEMIA, cblE COMPLEMENTATION TYPE. Identifiers: Orphanet 2169, Orphanet 622, MedGen C1856057, MONDO:0009354, OMIM 236270.

Submission:

Labcorp Genetics (formerly Invitae), Labcorp
Classification: Uncertain significance for Methylcobalamin deficiency type cblE. Last evaluated: 2024-12-18. Review status: criteria provided, single submitter. Criteria: Invitae Variant Classification Sherloc (09022015). Collection method: clinical testing. Allele origin: germline.
Comment: This variant, c.1067_1070delinsGGTA, is a complex sequence change that results in the deletion of 2 and insertion of 2 amino acid(s) in the MTRR protein (p.Leu356_Pro357delinsTrpTyr). Information on the frequency of this variant in the gnomAD database is not available, as this variant may be reported differently in the database. This variant has not been reported in the literature in individuals affected with MTRR-related conditions. Experimental studies and prediction algorithms are not available or were not evaluated, and the functional significance of this variant is currently unknown. In summary, the available evidence is currently insufficient to determine the role of this variant in disease. Therefore, it has been classified as a Variant of Uncertain Significance.